The following is an entry in ClinVar:

NM_000171.4(GLRA1):c.522C>T (p.Pro174=)

Gene: GLRA1 (glycine receptor alpha 1; minus strand). Cytogenetic location: 5q33.1.
Variant type: single nucleotide variant.
Coding change: c.522C>T on transcript NM_000171.4 (MANE Select); coding-DNA position 522, C replaced by T.
Protein change: p.Pro174=; no amino-acid change (proline 174 retained).
Molecular consequence: synonymous variant.
Genome position (GRCh38, 1-based): chr5:151,856,338, G>A on the plus strand (C>T on the coding strand, the complement: GLRA1 is on the minus strand). VCF-style: chr5-151856338-G-A. GRCh37 (hg19) VCF-style: chr5-151235899-G-A.
Other names: c.522C>T, p.Pro174= (NM_001146040.2); c.273C>T, p.Pro91= (NM_001292000.2).
Identifiers: ClinVar variation 352316 (VCV000352316.16), dbSNP rs114046477, ClinGen allele CA3523669.
Genomic context (GRCh38, chr5:151,856,338, plus strand): 5'-GAGGACTCATGCAAGACACTCACAGCTTTCCAGTTGCATGATACATGTCTGGACATCCAT[G>A]GGGAAATTCTTCAAGTCCATGGGGCAGGCCAGTGTCAGGGTGATTCTGGGAAGAGAAGGG-3'
Protein context (NP_000162.2, residues 164-184): LACPMDLKNF[Pro174=]MDVQTCIMQL

ClinVar aggregate classification (germline): Benign/Likely benign. Review status: criteria provided, multiple submitters, no conflicts (2 of 4 stars). 3 submissions from 3 submitters: Benign (1); Likely benign (2). Last evaluated 2025-04-02.

Conditions:
Hereditary hyperekplexia. Identifiers: Orphanet 3197, MedGen C4084968, MONDO:0021022.
GLRA1-related disorder. Also called: GLRA1-related condition.
Hyperekplexia 1 (STHE). Also called: HYPEREKPLEXIA 1, AUTOSOMAL DOMINANT; HYPEREKPLEXIA 1, AUTOSOMAL RECESSIVE; EXAGGERATED STARTLE REACTION; KOK DISEASE; STARTLE DISEASE, FAMILIAL; STIFF-BABY SYNDROME. Identifiers: Orphanet 3197, MedGen C4551954, MONDO:0007868, OMIM 149400.

Allele frequency attached by ClinVar (database versions not stated): gnomAD exomes 0.00005; ExAC 0.00008; ESP Exome Variant Server 0.00023; gnomAD 0.00023 and 0.00025; TOPMed 0.00023; 1000 Genomes Project 0.00060; 1000 Genomes Project 30x 0.00078.
gnomAD v4.1: 55 of 1,612,218 alleles (0.0034%); highest among the groups gnomAD compares: African/African-American, 0.071%; no homozygotes.

Submissions (3):

Labcorp Genetics (formerly Invitae), Labcorp
Classification: Likely benign for Hereditary hyperekplexia. Last evaluated: 2025-04-02. Review status: criteria provided, single submitter. Criteria: Invitae Variant Classification Sherloc (09022015). Collection method: clinical testing. Allele origin: germline.

PreventionGenetics, part of Exact Sciences
Classification: Likely benign for GLRA1-related condition. Last evaluated: 2025-02-25. Review status: criteria provided, single submitter. Criteria: ACMG Guidelines, 2015. Collection method: clinical testing. Allele origin: germline.
Comment: This variant is classified as likely benign based on ACMG/AMP sequence variant interpretation guidelines (Richards et al. 2015 PMID: 25741868, with internal and published modifications).

Illumina Laboratory Services, Illumina
Classification: Benign for Hyperekplexia 1. Last evaluated: 2018-01-12. Review status: criteria provided, single submitter. Criteria: ICSL Variant Classification Criteria 13 December 2019. Collection method: clinical testing. Allele origin: germline.
Comment: This variant was observed in the ICSL laboratory as part of a predisposition screen in an ostensibly healthy population. It had not been previously curated by ICSL or reported in the Human Gene Mutation Database (HGMD: prior to June 1st, 2018), and was therefore a candidate for classification through an automated scoring system. Utilizing variant allele frequency, disease prevalence and penetrance estimates, and inheritance mode, an automated score was calculated to assess if this variant is too frequent to cause the disease. Based on the score and internal cut-off values, a variant classified as benign is not then subjected to further curation. The score for this variant resulted in a classification of benign for this disease.